The following is an entry in ClinVar:

NM_006231.4(POLE):c.3201_3202del (p.Gln1067fs)

Gene: POLE (DNA polymerase epsilon, catalytic subunit; minus strand). Cytogenetic location: 12q24.33.
Variant type: Deletion.
Coding change: c.3201_3202del on transcript NM_006231.4 (MANE Select); coding-DNA positions 3201 to 3202, 2 bases deleted (GA; older notation c.3201_3202delGA).
Protein change: p.Gln1067fs; shifts the reading frame from glutamine 1067.
Molecular consequence: frameshift variant.
Genome position (GRCh38, 1-based): chr12:132,659,368-132,659,369, TC deleted on the plus strand (GA on the coding strand, the reverse complement: POLE is on the minus strand); deleting any 2 consecutive bases within chr12:132,659,368-132,659,370 gives the same sequence; the c. name uses the placement nearest the transcript's 3' end. VCF-style (leftmost placement, unchanged base first): chr12-132659367-ATC-A. GRCh37 (hg19) VCF-style: chr12-133235953-ATC-A.
Other names: short protein forms Q1067fs.
Identifiers: ClinVar variation 4672271 (VCV004672271.1).

ClinVar aggregate classification (germline): Uncertain significance (1 of 4 stars; one submission).

Conditions:
Hereditary cancer-predisposing syndrome. Also called: Neoplastic Syndromes, Hereditary; Tumor predisposition; Hereditary Cancer Syndrome; Hereditary neoplastic syndrome. Identifiers: Orphanet 140162, MedGen C0027672, MeSH D009386, MONDO:0015356.

Submission:

Ambry Genetics
Classification: Uncertain significance for Hereditary cancer-predisposing syndrome. Last evaluated: 2025-11-18. Review status: criteria provided, single submitter. Criteria: Ambry Variant Classification Scheme 2023. Collection method: clinical testing. Allele origin: germline.
Comment: The c.3201_3202delGA variant, located in coding exon 26 of the POLE gene, results from a deletion of two nucleotides at nucleotide positions 3201 to 3202, causing a translational frameshift with a predicted alternate stop codon (p.Q1067Hfs*56). This alteration is expected to result in loss of function by premature protein truncation or nonsense-mediated mRNA decay. Although biallelic loss of function of POLE has been associated with autosomal recessive POLE deficiency, haploinsufficiency of POLE has not been established as a mechanism of disease for POLE-related polymerase proofreading-associated polyposis (PPAP) and POLE-related CMMRD-like syndrome. Based on the supporting evidence, this variant is expected to be causative of POLE deficiency when present along with a second pathogenic variant on the other allele; however, its clinical significance for PPAP and POLE-related CMMRD-like syndrome is unclear.